The following is an entry in ClinVar:

NM_000169.3(GLA):c.786G>T (p.Trp262Cys)

Genes: GLA (galactosidase alpha; minus strand), RPL36A-HNRNPH2 (RPL36A-HNRNPH2 readthrough; plus strand). Cytogenetic location: Xq22.1.
Variant type: single nucleotide variant.
Coding change: c.786G>T on transcript NM_000169.3 (MANE Select); coding-DNA position 786, G replaced by T.
Protein change: p.Trp262Cys; replaces tryptophan 262 with cysteine.
Molecular consequence: missense variant. On other transcripts: non-coding transcript variant (3), intron variant (2).
Genome position (GRCh38, 1-based): chrX:101,398,800, C>A on the plus strand (G>T on the coding strand, the complement: GLA is on the minus strand). VCF-style: chrX-101398800-C-A. GRCh37 (hg19) VCF-style: chrX-100653788-C-A.
Other names: c.909G>T, p.Trp303Cys (NM_001406747.1); c.786G>T, p.Trp262Cys (NM_001406748.1); c.300+3343C>A (NM_001199973.2); c.177+6978C>A (NM_001199974.2); short protein forms W262C, W303C.
Identifiers: ClinVar variation 4974923 (VCV004974923.1).
Genomic context (GRCh38, chrX:101,398,800, plus strand): 5'-CAAGCCTACCGCAGGGTCTTGAACAAGGAGGGCTCAAGTTTTTACCATATCTGGGTCATT[C>A]CAACCCCCTGGTCCAGCAACATCAACAATTCTCTCCTGGTTAAAAGATGTCCAGTCCAAG-3'
Protein context (NP_000160.1, residues 252-272): RIVDVAGPGG[Trp262Cys]NDPDMLVIGN

ClinVar aggregate classification (germline): Pathogenic (1 of 4 stars; one submission).

Conditions:
Fabry disease. Also called: Fabry's disease; ALPHA-GALACTOSIDASE A DEFICIENCY; ANDERSON-FABRY DISEASE; CERAMIDE TRIHEXOSIDASE DEFICIENCY; GLA DEFICIENCY; HEREDITARY DYSTOPIC LIPIDOSIS. Identifiers: Orphanet 324, MedGen C0002986, MONDO:0010526, OMIM 301500, HP:0001071. Disease mechanism: Fabry disease is due to inactivating mutations in the X-linked GLA gene resulting in deficiency of the enzyme Alpha Galactosidase-A., loss of function.

Submission:

Genomenon, Inc
Classification: Pathogenic for Fabry disease. Last evaluated: 2026-09-08. Review status: criteria provided, single submitter. Criteria: Genomenon Sequence Variant Interpretation Standards - Updated. Collection method: curation. Allele origin: germline. Affected: yes.
Comment: GLA p.Trp262Cys (c.786G>T) is a missense variant that changes the amino acid at codon 262 from Tryptophan to Cysteine. This variant has been observed in at least one proband with clinical features consistent with Fabry disease (PMID:39859188). The variant was found to segregate with disease in at least one affected family (PMID:39859188). At least one functional study has demonstrated a substantial alteration in protein function relative to the wild-type (PMID:32023956;23935525;27657681). This variant is located in a mutational hotspot and/or important functional domain. It is absent or not present at a significant frequency in gnomAD. In silico models predict that this variant is possibly or probably damaging. In conclusion, we classify GLA p.Trp262Cys (c.786G>T) as a pathogenic variant.

Literature cited by the submitters: PubMed 39859188; PubMed 32023956; PubMed 23935525; PubMed 27657681.